The following is an entry in ClinVar:

NM_020975.6(RET):c.2939+20G>A

Gene: RET (ret proto-oncogene; plus strand). Cytogenetic location: 10q11.21.
Variant type: single nucleotide variant.
Coding change: c.2939+20G>A on transcript NM_020975.6 (MANE Select); 20 bases into the intron after coding-DNA position 2939, G replaced by A.
Molecular consequence: intron variant.
Genome position (GRCh38, 1-based): chr10:43,123,828, G>A. VCF-style: chr10-43123828-G-A. GRCh37 (hg19) VCF-style: chr10-43619276-G-A.
Other names: c.2213+20G>A (NM_001406777.1, NM_001406778.1, NM_001406775.1 and 1 more transcripts); c.1754+20G>A (NM_001406790.1, NM_001406788.1, NM_001406789.1); c.2939+20G>A (NM_020630.7, NM_001406743.1, NM_001406744.1 and 2 more transcripts); c.1634+20G>A (NM_001406791.1); c.1949+20G>A (NM_001406784.1); c.1490+20G>A (NM_001406794.1, NM_001406792.1, NM_001406793.1); c.2804+20G>A (NM_001406765.1, NM_001406763.1); c.2543+20G>A (NM_001406772.1, NM_001406769.1); and 10 more.
Identifiers: ClinVar variation 383638 (VCV000383638.10), dbSNP rs201756161, ClinGen allele CA041565.
Genomic context (GRCh38, chr10:43,123,828, plus strand): 5'-GGCCACCGGATGGAGAGGCCAGACAACTGCAGCGAGGAGATGTGAGCGGGGACTGGCTTT[G>A]GCCCAGCCTCACTTGGGAAGGGAGGGGACATCTGTGTGCATTCCCTCCCCATCCAGAGCA-3'

ClinVar aggregate classification (germline): Likely benign. Review status: criteria provided, multiple submitters, no conflicts (2 of 4 stars). 2 submissions from 2 submitters: Likely benign (2). Last evaluated 2026-01-10.

Conditions:
Multiple endocrine neoplasia, type 2 (MEN2). Identifiers: Orphanet 653, MedGen C4048306, MONDO:0019003. Disease mechanism: gain of function.

Allele frequency attached by ClinVar (database versions not stated): gnomAD 0.00001; gnomAD exomes 0.00001 and 0.00004; TOPMed 0.00002; ExAC 0.00004; 1000 Genomes Project 30x 0.00016; 1000 Genomes Project 0.00020.
gnomAD v4.1: 22 of 1,613,894 alleles (0.0014%); highest among the groups gnomAD compares: Admixed American, 0.013%; no homozygotes.

Submissions (2):

Labcorp Genetics (formerly Invitae), Labcorp
Classification: Likely benign for Multiple endocrine neoplasia, type 2. Last evaluated: 2026-01-10. Review status: criteria provided, single submitter. Criteria: Invitae Variant Classification Sherloc (09022015). Collection method: clinical testing. Allele origin: germline.

GeneDx
Classification: Likely benign. Last evaluated: 2016-02-05. Review status: criteria provided, single submitter. Criteria: GeneDx Variant Classification (06012015). Collection method: clinical testing. Allele origin: germline. Affected: yes.
Comment: This variant is considered likely benign or benign based on one or more of the following criteria: it is a conservative change, it occurs at a poorly conserved position in the protein, it is predicted to be benign by multiple in silico algorithms, and/or has population frequency not consistent with disease.